The following is an entry in ClinVar:

ClinVar aggregate classification (germline): Likely benign. Review status: criteria provided, single submitter (1 of 4 stars). 2 submissions from 2 submitters: Likely benign (1). 1 of the submissions does not count toward it. Last evaluated 2025-11-05.

Conditions:
UNC45A-related disorder. Also called: UNC45A-related condition.

Allele frequency attached by ClinVar (database versions not stated): gnomAD 0.00005; gnomAD exomes 0.00005 and 0.00020; TOPMed 0.00009; 1000 Genomes Project 30x 0.00016; ExAC 0.00016; 1000 Genomes Project 0.00020.
gnomAD v4.1: 79 of 1,614,078 alleles (0.0049%); highest among the groups gnomAD compares: Admixed American, 0.1%; no homozygotes.

Submissions (2):

Labcorp Genetics (formerly Invitae), Labcorp
Classification: Likely benign. Last evaluated: 2025-11-05. Review status: criteria provided, single submitter. Criteria: Invitae Variant Classification Sherloc (09022015). Collection method: clinical testing. Allele origin: germline.

PreventionGenetics, part of Exact Sciences
Classification: Likely benign for UNC45A-related condition. Last evaluated: 2019-09-23. Review status: no assertion criteria provided. Collection method: clinical testing. Allele origin: germline. Not counted in ClinVar's aggregate classification.
Comment: This variant is classified as likely benign based on ACMG/AMP sequence variant interpretation guidelines (Richards et al. 2015 PMID: 25741868, with internal and published modifications).

NM_018671.5(UNC45A):c.2067C>T (p.Gly689=)

Gene: UNC45A (unc-45 myosin chaperone A; plus strand). Cytogenetic location: 15q26.1.
Variant type: single nucleotide variant.
Coding change: c.2067C>T on transcript NM_018671.5 (MANE Select); coding-DNA position 2067, C replaced by T.
Protein change: p.Gly689=; no amino-acid change (glycine 689 retained).
Molecular consequence: synonymous variant.
Genome position (GRCh38, 1-based): chr15:90,949,714, C>T. VCF-style: chr15-90949714-C-T. GRCh37 (hg19) VCF-style: chr15-91492944-C-T.
Other names: c.2022C>T, p.Gly674= (NM_001039675.2, NM_001323621.2); c.2067C>T, p.Gly689= (NM_001323619.1); c.1632C>T, p.Gly544= (NM_001323620.2).
Identifiers: ClinVar variation 1586849 (VCV001586849.10), dbSNP rs200029222, ClinGen allele CA7743168.